The following is an entry in ClinVar:

NM_000020.3(ACVRL1):c.1286T>A (p.Val429Glu)

Gene: ACVRL1 (activin A receptor like type 1; plus strand). Cytogenetic location: 12q13.13.
Variant type: single nucleotide variant.
Coding change: c.1286T>A on transcript NM_000020.3 (MANE Select); coding-DNA position 1286, T replaced by A.
Protein change: p.Val429Glu; replaces valine 429 with glutamic acid.
Molecular consequence: missense variant.
Genome position (GRCh38, 1-based): chr12:51,919,024, T>A. VCF-style: chr12-51919024-T-A. GRCh37 (hg19) VCF-style: chr12-52312808-T-A.
Other names: c.1286T>A, p.Val429Glu (NM_001406487.1, NM_001406488.1, NM_001406489.1 and 1 more transcripts); c.1130T>A, p.Val377Glu (NM_001406490.1); c.974T>A, p.Val325Glu (NM_001406491.1, NM_001406492.1, NM_001406493.1); c.776T>A, p.Val259Glu (NM_001406494.1); c.722T>A, p.Val241Glu (NM_001406495.1); short protein forms V241E, V325E, V259E, V377E, V429E.
Identifiers: ClinVar variation 3635227 (VCV003635227.2).

ClinVar aggregate classification (germline): Uncertain significance (1 of 4 stars; one submission).

Conditions:
Telangiectasia, hereditary hemorrhagic, type 2 (HHT2). Also called: ACVRL1-Related Hereditary Hemorrhagic Telangiectasia; Telangiectasia, hereditary hemorrhagic, type II. Identifiers: Orphanet 774, MedGen C1838163, MONDO:0010880, OMIM 600376. Disease mechanism: loss of function.

Submission:

Labcorp Genetics (formerly Invitae), Labcorp
Classification: Uncertain significance for Telangiectasia, hereditary hemorrhagic, type 2. Last evaluated: 2024-02-09. Review status: criteria provided, single submitter. Criteria: Invitae Variant Classification Sherloc (09022015). Collection method: clinical testing. Allele origin: germline.
Comment: This sequence change replaces valine, which is neutral and non-polar, with glutamic acid, which is acidic and polar, at codon 429 of the ACVRL1 protein (p.Val429Glu). This variant is not present in population databases (gnomAD no frequency). This missense change has been observed in individual(s) with clinical features of hereditary hemorrhagic telangiectasia (Invitae). Advanced modeling of protein sequence and biophysical properties (such as structural, functional, and spatial information, amino acid conservation, physicochemical variation, residue mobility, and thermodynamic stability) performed at Invitae indicates that this missense variant is expected to disrupt ACVRL1 protein function with a positive predictive value of 95%. In summary, the available evidence is currently insufficient to determine the role of this variant in disease. Therefore, it has been classified as a Variant of Uncertain Significance.